The following is an entry in ClinVar:

ClinVar aggregate classification (germline): Uncertain significance (1 of 4 stars; one submission).

Submission:

Labcorp Genetics (formerly Invitae), Labcorp
Classification: Uncertain significance. Last evaluated: 2022-02-04. Review status: criteria provided, single submitter. Criteria: Invitae Variant Classification Sherloc (09022015). Collection method: clinical testing. Allele origin: germline.
Comment: This sequence change replaces glutamic acid, which is acidic and polar, with glycine, which is neutral and non-polar, at codon 411 of the CYP2R1 protein (p.Glu411Gly). This variant is not present in population databases (gnomAD no frequency). This variant has not been reported in the literature in individuals affected with CYP2R1-related conditions. Algorithms developed to predict the effect of missense changes on protein structure and function are either unavailable or do not agree on the potential impact of this missense change (SIFT: "Deleterious"; PolyPhen-2: "Benign"; Align-GVGD: "Class C65"). In summary, the available evidence is currently insufficient to determine the role of this variant in disease. Therefore, it has been classified as a Variant of Uncertain Significance.

NM_024514.5(CYP2R1):c.1232A>G (p.Glu411Gly)

Genes: CYP2R1 (cytochrome P450 family 2 subfamily R member 1; minus strand), PDE3B (phosphodiesterase 3B; plus strand). Cytogenetic location: 11p15.2.
Variant type: single nucleotide variant.
Coding change: c.1232A>G on transcript NM_024514.5 (MANE Select); coding-DNA position 1232, A replaced by G.
Protein change: p.Glu411Gly; replaces glutamic acid 411 with glycine.
Molecular consequence: missense variant.
Genome position (GRCh38, 1-based): chr11:14,879,212, T>C on the plus strand (A>G on the coding strand, the complement: CYP2R1 is on the minus strand). VCF-style: chr11-14879212-T-C. GRCh37 (hg19) VCF-style: chr11-14900758-T-C.
Other names: c.887A>G, p.Glu296Gly (NM_001377214.1, NM_001377215.1, NM_001377216.1 and 5 more transcripts); c.1070A>G, p.Glu357Gly (NM_001377217.1); c.533A>G, p.Glu178Gly (NM_001400562.1, NM_001400563.1, NM_001400564.1 and 1 more transcripts); c.254A>G, p.Glu85Gly (NM_001400566.1); c.1088A>G, p.Glu363Gly (NM_001400567.1); c.1187A>G, p.Glu396Gly (NM_001400568.1); short protein forms E396G, E296G, E357G, E178G, E411G, E363G, E85G.
Identifiers: ClinVar variation 2092937 (VCV002092937.1), dbSNP rs2494248625, ClinGen allele CA379744865.